The following is an entry in ClinVar:

ClinVar aggregate classification (germline): Pathogenic (1 of 4 stars; one submission).

Conditions:
Hereditary cancer-predisposing syndrome. Also called: Neoplastic Syndromes, Hereditary; Tumor predisposition; Hereditary neoplastic syndrome; Hereditary Cancer Syndrome. Identifiers: Orphanet 140162, MedGen C0027672, MeSH D009386, MONDO:0015356.

Submission:

Ambry Genetics
Classification: Pathogenic for Hereditary cancer-predisposing syndrome. Last evaluated: 2026-07-10. Review status: criteria provided, single submitter. Criteria: Ambry Variant Classification Scheme 2023. Collection method: clinical testing. Allele origin: germline.
Comment: The c.3666_3667dupTC pathogenic mutation, located in coding exon 10 of the BRCA2 gene, results from a duplication of TC at nucleotide position 3666, causing a translational frameshift with a predicted alternate stop codon (p.H1223Lfs*6). This variant is considered to be rare based on population cohorts in the Genome Aggregation Database (gnomAD). This alteration is expected to result in loss of function by premature protein truncation or nonsense-mediated mRNA decay. As such, this alteration is interpreted as a disease-causing mutation.

NM_000059.4(BRCA2):c.3666_3667dup (p.His1223fs)

Gene: BRCA2 (BRCA2 DNA repair associated; plus strand). Cytogenetic location: 13q13.1.
Variant type: Duplication.
Coding change: c.3666_3667dup on transcript NM_000059.4 (MANE Select); coding-DNA positions 3666 to 3667, 2 bases duplicated (TC; older notation c.3666_3667dupTC).
Protein change: p.His1223fs; shifts the reading frame from histidine 1223.
Molecular consequence: frameshift variant. On other transcripts: non-coding transcript variant (1), intron variant (2).
Genome position (GRCh38, 1-based): chr13:32,338,021-32,338,022, TC duplicated; duplicating any 2 consecutive bases within chr13:32,338,020-32,338,022 gives the same sequence; the c. name uses the placement nearest the transcript's 3' end. VCF-style (leftmost placement, unchanged base first): chr13-32338019-G-GCT. GRCh37 (hg19) VCF-style: chr13-32912156-G-GCT.
Other names: c.3666_3667dup, p.His1223fs (NM_001406719.1, NM_001406720.1, NM_001432077.1); c.1909+4634_1909+4635dup (NM_001406721.1); c.425-6537_425-6536dup (NM_001406722.1); c.3666_3667dupTC (NM_000059.3); short protein forms H1223fs.
Identifiers: ClinVar variation 5033303 (VCV005033303.1).